The following is an entry in ClinVar:

NM_015192.4(PLCB1):c.612A>T (p.Gln204His)

Gene: PLCB1 (phospholipase C beta 1; plus strand). Cytogenetic location: 20p12.3.
Variant type: single nucleotide variant.
Coding change: c.612A>T on transcript NM_015192.4 (MANE Select); coding-DNA position 612, A replaced by T.
Protein change: p.Gln204His; replaces glutamine 204 with histidine.
Molecular consequence: missense variant.
Genome position (GRCh38, 1-based): chr20:8,657,201, A>T. VCF-style: chr20-8657201-A-T. GRCh37 (hg19) VCF-style: chr20-8637848-A-T.
Other names: c.612A>T, p.Gln204His (NM_182734.3); short protein forms Q204H.
Identifiers: ClinVar variation 1036217 (VCV001036217.9), dbSNP rs1989486497, ClinGen allele CA408263832.

ClinVar aggregate classification (germline): Uncertain significance (1 of 4 stars; one submission).

Conditions:
Developmental and epileptic encephalopathy, 12 (DEE12). Identifiers: MedGen C3150988, MONDO:0013389, OMIM 613722.

Submission:

Labcorp Genetics (formerly Invitae), Labcorp
Classification: Uncertain significance for Developmental and epileptic encephalopathy, 12. Last evaluated: 2021-02-25. Review status: criteria provided, single submitter. Criteria: Invitae Variant Classification Sherloc (09022015). Collection method: clinical testing. Allele origin: germline.
Comment: This variant has not been reported in the literature in individuals with PLCB1-related conditions. This variant is not present in population databases (ExAC no frequency). This sequence change replaces glutamine with histidine at codon 204 of the PLCB1 protein (p.Gln204His). The glutamine residue is moderately conserved and there is a small physicochemical difference between glutamine and histidine. Algorithms developed to predict the effect of missense changes on protein structure and function are either unavailable or do not agree on the potential impact of this missense change (SIFT: "Deleterious"; PolyPhen-2: "Benign"; Align-GVGD: "Class C0"). In summary, the available evidence is currently insufficient to determine the role of this variant in disease. Therefore, it has been classified as a Variant of Uncertain Significance.